The following is an entry in ClinVar:

NM_000152.5(GAA):c.2297A>C (p.Tyr766Ser)

Gene: GAA (alpha glucosidase; plus strand). Cytogenetic location: 17q25.3.
Variant type: single nucleotide variant.
Coding change: c.2297A>C on transcript NM_000152.5 (MANE Select); coding-DNA position 2297, A replaced by C.
Protein change: p.Tyr766Ser; replaces tyrosine 766 with serine.
Molecular consequence: missense variant.
Genome position (GRCh38, 1-based): chr17:80,117,075, A>C. VCF-style: chr17-80117075-A-C. GRCh37 (hg19) VCF-style: chr17-78090874-A-C.
Other names: NM_000152.5(GAA):c.2297A>C; c.2297A>C (NM_001079803.2, LRG_673t1); c.2297A>C, p.Tyr766Ser (NM_001079803.3, NM_001079804.3); short protein forms Y766S.
Identifiers: ClinVar variation 420102 (VCV000420102.32), dbSNP rs144016984, ClinGen allele CA8815680.
Genomic context (GRCh38, chr17:80,117,075, plus strand): 5'-GGGGGGAGGCCCTGCTCATCACCCCAGTGCTCCAGGCCGGGAAGGCCGAAGTGACTGGCT[A>C]CTTCCCCTTGGGCACATGGTACGACCTGCAGACGGTGAGTCTGGGGACCCTAAGCCCTGG-3'
Protein context (NP_000143.2, residues 756-776): LQAGKAEVTG[Tyr766Ser]FPLGTWYDLQ

ClinVar aggregate classification (germline): Pathogenic. Review status: reviewed by expert panel (3 of 4 stars). 11 submissions from 11 submitters: Pathogenic (1). 10 of the submissions do not count toward it. Last evaluated 2022-06-03.

Conditions:
Glycogen storage disease, type II (IOPD). Also called: CARDIOMEGALIA GLYCOGENICA DIFFUSA; GLYCOGENOSIS, GENERALIZED, CARDIAC FORM; GSD II; Glycogen storage disease type 2; Acid maltase deficiency disease; Aglucosidase alfa. Identifiers: Orphanet 365, MedGen C0017921, MONDO:0009290, OMIM 232300.

gnomAD v4.1: 4 of 1,613,300 alleles (0.00025%); highest among the groups gnomAD compares: East Asian, 0.0022%; no homozygotes.

Submissions 1 to 7 of 11:

ClinGen Lysosomal Storage Disorder Variant Curation Expert Panel
Classification: Pathogenic for Glycogen storage disease, type II. Last evaluated: 2022-06-03. Review status: reviewed by expert panel. Criteria: clingen_lsd_acmg_specifications_v2-1. Collection method: curation. Allele origin: germline. Inheritance: Autosomal recessive inheritance.
Comment: The NM_000152.5: c.2297A>C variant in GAA is a missense variant predicted to cause substitution of tyrosine by serine at amino acid 766 (p.Tyr766Ser). At least 12 patients with this variant have been reported including 7 with documented GAA deficiency with <1% of normal mean control level of GAA activity in cultured fibroblasts or GAA activity in the affected leukocytes or dried blood spot (PMID: 22538254, 22521436, 31875618, Clinical Laboratory data), one noted to have deficient GAA activity but results were not provided (PMID: 28394184), and two reported to have Pompe disease with no further details (PMID: 26693141). At least three of these patients are receiving enzyme replacement therapy (PMID: 22521436, 22538254, 26693141 29289479, 30214072, 31899940) (PP4_Moderate). Of the reported patients, at least three are homozygous (PMID: 22521436, 22538254, 26693141 29289479, 31899940, Clinical Laboratory data, and seven were compound heterozygous for the variant and a variant classified as pathogenic by the ClinGen LSD VCEP including c.1309C>T (p.Arg437Cys) (PMID: 22521436), c.-32-13T>G (Clinical Laboratory Data), c.2608C>T (p.Arg870Ter) (Clinical Laboratory Data), c.525delT (PMID: 30214072), all phase unknown, and c.1822C>T (p.Arg608Ter), confirmed in trans by parental testing (PMID: 31875618) (PM3_Very Strong). Two other individuals are compound heterozygous for the variant and either c.1118T>G (p.Leu373Arg) (Clinical Laboratory data) or c.2105G>A (p.Arg702His) (PMID: 28394184) but the allelic data from these patients will be used in the classification of the second variant and is not included here to avoid circular logic. The highest population minor allele frequency in gnomAD v2.1.1 is 0.00005441 (1/18378 alleles) in the East Asian population, which is lower than the ClinGen LSD VCEP’s threshold for PM2_Supporting (<0.001), meeting this criterion. The computational predictor REVEL gives a score of 0.98 which is above the threshold of 0.7, evidence that correlates with impact to GAA function (PP3). To our knowledge, the results of functional studies for this variant have not been published. Two other missense variants, c.2297A>G (p.Tyr766Cys) and 2296T>A (p.Tyr766Asn), in the same codon have been reported in patients with Pompe disease. The classification of c.2297A>C (p.Tyr766Ser) will be used to apply PM5 for those other variants and is not included here to avoid circular logic. There is a ClinVar entry for this variant (Variation ID: 420102; 2 star review status) with five submitters classifying the variant as pathogenic and one as likely pathogenic. In summary, this variant meets the criteria to be classified as pathogenic for Pompe disease. ACMG/AMP criteria met, as specified by the ClinGen Lysosomal Storage Disorders Expert Panel: PM3_VeryStrong, PP4_Moderate, PP3, PM2_Supporting. Classification approved by the ClinGen LSD VCEP on May 16, 2022.

Genomenon, Inc
Classification: Pathogenic for Glycogen storage disease, type II. Last evaluated: 2026-07-01. Review status: criteria provided, single submitter. Criteria: Genomenon Sequence Variant Interpretation Standards - Updated. Collection method: curation. Allele origin: germline. Affected: yes. Not counted in ClinVar's aggregate classification.
Comment: GAA p.Tyr766Ser (c.2297A>C) is a missense variant that changes the amino acid at codon 766 from Tyrosine to Serine. This variant has been observed in at least one proband with a GAA-related disorder in the compound heterozygous and/or homozygous state (PMID:38250073;34357340;31899940;31875618;31086307;30214072;28394184;22521436). It is absent or not present at a significant frequency in gnomAD. In silico models predict that this variant is possibly or probably damaging. In conclusion, we classify GAA p.Tyr766Ser (c.2297A>C) as a pathogenic variant.

Natera, Inc.
Classification: Pathogenic for Glycogen storage disease type II. Last evaluated: 2025-10-09. Review status: criteria provided, single submitter. Criteria: Natera Variant Classification Schema (03/2026). Collection method: clinical testing. Allele origin: germline. Not counted in ClinVar's aggregate classification.
Comment: The c.2297A>C variant in GAA is a missense variant predicted to cause substitution of tyrosine to serine at amino acid 766. This variant is rare in the general population with a frequency below the threshold expected for the associated phenotype(s). This variant has been observed in one or more individuals affected with the associated recessive disease, as either homozygous or compound heterozygous with a second variant (PMID: 31086307, 31875618). Computational prediction algorithms indicate this variant is likely to affect gene or protein function. Given the available evidence, this variant is classified as Pathogenic.

Labcorp Genetics (formerly Invitae), Labcorp
Classification: Pathogenic for Glycogen storage disease, type II. Last evaluated: 2025-09-17. Review status: criteria provided, single submitter. Criteria: Invitae Variant Classification Sherloc (09022015). Collection method: clinical testing. Allele origin: germline. Not counted in ClinVar's aggregate classification.
Comment: This sequence change replaces tyrosine, which is neutral and polar, with serine, which is neutral and polar, at codon 766 of the GAA protein (p.Tyr766Ser). This variant is present in population databases (rs144016984, gnomAD 0.006%). This missense change has been observed in individual(s) with Pompe disease (PMID: 22521436, 22538254, 28394184; externalcommunication). ClinVar contains an entry for this variant (Variation ID: 420102). Invitae Evidence Modeling of protein sequence and biophysical properties (such as structural, functional, and spatial information, amino acid conservation, physicochemical variation, residue mobility, and thermodynamic stability) indicates that this missense variant is expected to disrupt GAA protein function with a positive predictive value of 95%. This variant disrupts the p.Tyr766 amino acid residue in GAA. Other variant(s) that disrupt this residue have been observed in individuals with GAA-related conditions (PMID: 21605996, 29124014), which suggests that this may be a clinically significant amino acid residue. For these reasons, this variant has been classified as Pathogenic.

Variantyx, Inc.
Classification: Pathogenic for Glycogen storage disease, type II. Last evaluated: 2025-05-14. Review status: criteria provided, single submitter. Criteria: Variantyx Assertion Criteria 2022. Collection method: clinical testing. Allele origin: germline. Inheritance: Autosomal recessive inheritance. Not counted in ClinVar's aggregate classification.
Comment: This is a nonsynonymous variant in the GAA gene (OMIM: 606800). Pathogenic variants in this gene have been associated with autosomal recessive glycogen storage disease II. This variant has been identified in the homozygous or compound heterozygous state in multiple individuals reported in the published literature (PMID: 22521436, 22538254, 31899940, 30214072, 31875618) (PM3), and at least 12 patients with this variant have been reported with documented GAA deficiency with <1% of normal mean control level of GAA activity in cultured fibroblasts or GAA activity in the affected leukocytes or dried blood spot (PMID: 22538254, 22521436, 31875618) (PP4_Moderate). Multiple computational algorithms predict a deleterious effect for this variant (REVEL score: 0.98) (PP3). This variant has a 0.0025% maximum allele frequency in non-founder control populations (PM2). Based on the current evidence, this variant is classified as pathogenic for autosomal recessive glycogen storage disease II.

GeneDx
Classification: Pathogenic. Last evaluated: 2025-02-11. Review status: criteria provided, single submitter. Criteria: GeneDx Variant Classification Process June 2021. Collection method: clinical testing. Allele origin: germline. Affected: yes. Not counted in ClinVar's aggregate classification.
Comment: Not observed at significant frequency in large population cohorts (gnomAD); In silico analysis supports that this missense variant has a deleterious effect on protein structure/function; This variant is associated with the following publications: (PMID: 22538254, 21637107, 25139343, 31086307, 28394184, 22521436, 26693141, 31875618, 38250073, 19343043, 22253258)

Women's Health and Genetics/Laboratory Corporation of America, LabCorp
Classification: Pathogenic for Glycogen storage disease, type II. Last evaluated: 2024-09-10. Review status: criteria provided, single submitter. Criteria: LabCorp Variant Classification Summary - May 2015. Collection method: clinical testing. Allele origin: germline. Not counted in ClinVar's aggregate classification.
Comment: Variant summary: GAA c.2297A>C (p.Tyr766Ser) results in a non-conservative amino acid change located in the glycosyl hydrolase family 31, C-terminal domain (IPR048395) of the encoded protein sequence. Five of five in-silico tools predict a damaging effect of the variant on protein function. The variant allele was found at a frequency of 4e-06 in 250124 control chromosomes (gnomAD). c.2297A>C has been reported in the literature in multiple individuals affected with glycogen storage disease, type 2 (Pompe Disease) (examples: Yonee_2012, Bali_2015, Chen_2017). These data indicate that the variant is very likely to be associated with disease. The following publications have been ascertained in the context of this evaluation (PMID: 28394184, 26693141, 22521436). ClinVar contains an entry for this variant (Variation ID: 420102). Based on the evidence outlined above, the variant was classified as pathogenic.